The following is an entry in ClinVar:

ClinVar aggregate classification (germline): Benign (1 of 4 stars; one submission).

Allele frequency attached by ClinVar (database versions not stated): TOPMed 0.45848; gnomAD 0.46950 and 0.47426; 1000 Genomes Project 30x 0.47174; 1000 Genomes Project 0.48083.
gnomAD v4.1: 72,134 of 151,868 alleles (47%); highest among the groups gnomAD compares: East Asian, 56%; 17,985 homozygotes.

Submission:

GeneDx
Classification: Benign. Last evaluated: 2018-06-14. Review status: criteria provided, single submitter. Criteria: GeneDx Variant Classification (06012015). Collection method: clinical testing. Allele origin: germline. Affected: yes.
Comment: This variant is considered likely benign or benign based on one or more of the following criteria: it is a conservative change, it occurs at a poorly conserved position in the protein, it is predicted to be benign by multiple in silico algorithms, and/or has population frequency not consistent with disease.

NM_001165963.4(SCN1A):c.473+164G>A

Gene: SCN1A (sodium voltage-gated channel alpha subunit 1; minus strand). Cytogenetic location: 2q24.3.
Variant type: single nucleotide variant.
Coding change: c.473+164G>A on transcript NM_001165963.4 (MANE Select); 164 bases into the intron after coding-DNA position 473, G replaced by A.
Molecular consequence: intron variant.
Genome position (GRCh38, 1-based): chr2:166,056,247, C>T on the plus strand (G>A on the coding strand, the complement: SCN1A is on the minus strand). VCF-style: chr2-166056247-C-T. GRCh37 (hg19) VCF-style: chr2-166912757-C-T.
Other names: c.473+164G>A (NM_001353949.2, NM_001353958.2, NM_001353950.2 and 10 more transcripts); c.-1953+164G>A (NM_001353961.2).
Identifiers: ClinVar variation 669296 (VCV000669296.1), dbSNP rs1461203, ClinGen allele CA11131130.